The following is an entry in ClinVar:

NM_007118.4(TRIO):c.4614+1G>T

Gene: TRIO (trio Rho guanine nucleotide exchange factor; plus strand). Cytogenetic location: 5p15.2.
Variant type: single nucleotide variant.
Coding change: c.4614+1G>T on transcript NM_007118.4 (MANE Select); the canonical splice donor site of the intron after coding-DNA position 4614, G replaced by T.
Molecular consequence: splice donor variant.
Genome position (GRCh38, 1-based): chr5:14,399,071, G>T. VCF-style: chr5-14399071-G-T. GRCh37 (hg19) VCF-style: chr5-14399180-G-T.
Identifiers: ClinVar variation 3343394 (VCV003343394.1).
Genomic context (GRCh38, chr5:14,399,071, plus strand): 5'-AGTAAAGAAGTGAAAGATTCCAGTGGGAGAAGCAAGTACCTTTATAAAAGCAAATTGTTT[G>T]TAAGTATAGGCGTTCAGAATTGTAAGTCTAAAGGTAACACAATTGCAGTCTTTTTGTAGG-3'

ClinVar aggregate classification (germline): Pathogenic (1 of 4 stars; one submission).

Submission:

GeneDx
Classification: Pathogenic. Last evaluated: 2024-03-27. Review status: criteria provided, single submitter. Criteria: GeneDx Variant Classification Process June 2021. Collection method: clinical testing. Allele origin: germline. Affected: yes.
Comment: Canonical splice site variant predicted to result in a null allele in a gene for which loss of function is a known mechanism of disease; Not observed in large population cohorts (gnomAD); Has not been previously published as pathogenic or benign to our knowledge